The following is an entry in ClinVar:

ClinVar aggregate classification (germline): Uncertain significance (1 of 4 stars; one submission).

gnomAD v4.1: 2 of 1,611,128 alleles (0.00012%); highest among the groups gnomAD compares: Non-Finnish European, 0.00017%; no homozygotes.

Submission:

Ambry Genetics
Classification: Uncertain significance. Last evaluated: 2023-12-08. Review status: criteria provided, single submitter. Criteria: Ambry Variant Classification Scheme 2023. Collection method: clinical testing. Allele origin: germline.
Comment: The p.Y231N variant (also known as c.691T>A), located in coding exon 4 of the IDH1 gene, results from a T to A substitution at nucleotide position 691. The tyrosine at codon 231 is replaced by asparagine, an amino acid with dissimilar properties. This amino acid position is conserved. In addition, this alteration is predicted to be deleterious by in silico analysis. Since supporting evidence is limited at this time, the clinical significance of this alteration remains unclear.

NM_005896.4(IDH1):c.691T>A (p.Tyr231Asn)

Gene: IDH1 (isocitrate dehydrogenase (NADP(+)) 1; minus strand). Cytogenetic location: 2q34.
Variant type: single nucleotide variant.
Coding change: c.691T>A on transcript NM_005896.4 (MANE Select); coding-DNA position 691, T replaced by A.
Protein change: p.Tyr231Asn; replaces tyrosine 231 with asparagine.
Molecular consequence: missense variant.
Genome position (GRCh38, 1-based): chr2:208,243,434, A>T on the plus strand (T>A on the coding strand, the complement: IDH1 is on the minus strand). VCF-style: chr2-208243434-A-T. GRCh37 (hg19) VCF-style: chr2-209108158-A-T.
Other names: c.691T>A, p.Tyr231Asn (NM_001282386.1, NM_001282387.1); short protein forms Y231N.
Identifiers: ClinVar variation 1756168 (VCV001756168.2), dbSNP rs755237893, ClinGen allele CA350098594.